The following is an entry in ClinVar:

GRCh37/hg19 1q21.1-21.2(chr1:143721526-149232481)x1

Genes: ACP6 (acid phosphatase 6, lysophosphatidic; minus strand), ANKRD34A (ankyrin repeat domain 34A; minus strand), ANKRD35 (ankyrin repeat domain 35; minus strand), BCL9 (BCL9 transcription coactivator; plus strand), CD160 (CD160 molecule; plus strand) and 36 more. Cytogenetic location: 1q21.1-21.2.
Variant type: copy number loss.
Change: copy number 1 (one copy instead of two) of chr1:143,721,526-149,232,481 (5.51 Mb, GRCh37 coordinates, 1-based), cytogenetic band 1q21.1-21.2.
Identifiers: ClinVar variation 59832 (VCV000059832.1).

ClinVar aggregate classification (germline): Pathogenic (1 of 4 stars; one submission).

Submission:

ISCA site 17
Classification: Pathogenic. Last evaluated: 2011-08-12. Review status: criteria provided, single submitter. Criteria: Kaminsky et al. (Genet Med. 2011). Collection method: clinical testing. Allele origin: unknown. Affected: yes. Observed: 1 variant allele.
Comment: Copy number variation identified through the course of routine clinical cytogenomic testing in postnatal populations. Clinical assertions have been curated as described in Kaminsky et al. 2011.